The following is an entry in ClinVar:

NM_001042492.3(NF1):c.3728T>C (p.Leu1243Pro)

Gene: NF1 (neurofibromin 1; plus strand). Cytogenetic location: 17q11.2.
Variant type: single nucleotide variant.
Coding change: c.3728T>C on transcript NM_001042492.3 (MANE Select); coding-DNA position 3728, T replaced by C.
Protein change: p.Leu1243Pro; replaces leucine 1243 with proline.
Molecular consequence: missense variant.
Genome position (GRCh38, 1-based): chr17:31,235,630, T>C. VCF-style: chr17-31235630-T-C. GRCh37 (hg19) VCF-style: chr17-29562648-T-C.
Other names: c.3728T>C, p.Leu1243Pro (NM_000267.4); short protein forms L1243P.
Identifiers: ClinVar variation 371 (VCV000000371.10), dbSNP rs137854564, ClinGen allele CA251473.

ClinVar aggregate classification (germline): Pathogenic/Likely pathogenic. Review status: criteria provided, multiple submitters, no conflicts (2 of 4 stars). 4 submissions from 4 submitters: Pathogenic (1); Likely pathogenic (2). 1 of the submissions does not count toward it. Last evaluated 2026-08-28.

Conditions:
Cardiovascular phenotype. Identifiers: MedGen CN230736.
Hereditary cancer-predisposing syndrome. Also called: Tumor predisposition; Hereditary Cancer Syndrome; Hereditary neoplastic syndrome; Neoplastic Syndromes, Hereditary. Identifiers: Orphanet 140162, MedGen C0027672, MeSH D009386, MONDO:0015356.
Neurofibromatosis, type 1 (NF1). Also called: NEUROFIBROMATOSIS, TYPE I, SOMATIC; VON RECKLINGHAUSEN DISEASE; Peripheral type neurofibromatosis; Neurofibromatosis, type I. Identifiers: Orphanet 636, MedGen C0027831, MONDO:0018975, OMIM 162200. Disease mechanism: loss of function.

Submissions (4):

Ambry Genetics
Classification: Likely pathogenic for Cardiovascular phenotype; Hereditary cancer-predisposing syndrome. Last evaluated: 2026-08-28. Review status: criteria provided, single submitter. Criteria: Ambry Variant Classification Scheme 2023. Collection method: clinical testing. Allele origin: germline.
Comment: The p.L1243P variant (also known as c.3728T>C), located in coding exon 28 of the NF1 gene, results from a T to C substitution at nucleotide position 3728. The leucine at codon 1243 is replaced by proline, an amino acid with similar properties. This variant was reported in individual(s) with features consistent with neurofibromatosis type 1 (NF1) (Ferner RE et al. J Med Genet, 2004 Nov;41:837-41; Pasmant E et al. Eur J Hum Genet, 2015 May;23:596-601; Napolitano F et al. Genes (Basel), 2022 Jun;13). This variant is considered to be rare based on population cohorts in the Genome Aggregation Database (gnomAD). This amino acid position is highly conserved in available vertebrate species. In addition, this alteration is predicted to be deleterious by in silico analysis. Based on the majority of available evidence to date, this variant is likely to be pathogenic.

GeneDx
Classification: Likely pathogenic. Last evaluated: 2025-09-10. Review status: criteria provided, single submitter. Criteria: GeneDx Variant Classification Process June 2021. Collection method: clinical testing. Allele origin: germline. Affected: yes.
Comment: Identified in a patients with neurofibromatosis type 1 referred for genetic testing at GeneDx and in published literature (PMID: 35885913); Not observed at significant frequency in large population cohorts (gnomAD); In silico analysis supports that this missense variant has a deleterious effect on protein structure/function; This variant is associated with the following publications: (PMID: 24803665, 15520408, 25486365, 22807134, 35885913)

Labcorp Genetics (formerly Invitae), Labcorp
Classification: Pathogenic for Neurofibromatosis, type 1. Last evaluated: 2024-08-22. Review status: criteria provided, single submitter. Criteria: Invitae Variant Classification Sherloc (09022015). Collection method: clinical testing. Allele origin: germline.
Comment: This sequence change replaces leucine, which is neutral and non-polar, with proline, which is neutral and non-polar, at codon 1243 of the NF1 protein (p.Leu1243Pro). This variant is not present in population databases (gnomAD no frequency). This missense change has been observed in individual(s) with neurofibromatosis type 1 (PMID: 15520408; internal data). ClinVar contains an entry for this variant (Variation ID: 371). Invitae Evidence Modeling of protein sequence and biophysical properties (such as structural, functional, and spatial information, amino acid conservation, physicochemical variation, residue mobility, and thermodynamic stability) indicates that this missense variant is expected to disrupt NF1 protein function with a positive predictive value of 95%. For these reasons, this variant has been classified as Pathogenic.

OMIM
Classification: Pathogenic for NEUROFIBROMATOSIS, TYPE I. Last evaluated: 2004-11-01. Review status: no assertion criteria provided. Collection method: literature only. Allele origin: germline. Not counted in ClinVar's aggregate classification.

Literature cited by the submitters: PubMed 15520408 (cited by 3 submitters); PubMed 25074460 (cited by Ambry Genetics); PubMed 35885913 (cited by Ambry Genetics).